The following is an entry in ClinVar:

ClinVar aggregate classification (germline): Uncertain significance. Review status: criteria provided, multiple submitters, no conflicts (2 of 4 stars). 2 submissions from 2 submitters: Uncertain significance (2). Last evaluated 2026-04-02.

Conditions:
Cardiovascular phenotype. Identifiers: MedGen CN230736.
Primary dilated cardiomyopathy (DCM). Also called: Dilated Cardiomyopathy. Identifiers: Orphanet 217604, MedGen C0007193, MeSH D002311, MONDO:0005021, HP:0001644. Inheritance: Various modes of inheritance.

Allele frequency attached by ClinVar (database versions not stated): gnomAD exomes 0.00001; gnomAD 0.00001; TOPMed 0.00001.
gnomAD v4.1: 21 of 1,565,688 alleles (0.0013%); highest among the groups gnomAD compares: East Asian, 0.0024%; no homozygotes.

Submissions (2):

Ambry Genetics
Classification: Uncertain significance for Cardiovascular phenotype. Last evaluated: 2026-04-02. Review status: criteria provided, single submitter. Criteria: Ambry Variant Classification Scheme 2023. Collection method: clinical testing. Allele origin: germline.
Comment: The p.I246T variant (also known as c.737T>C), located in coding exon 10 of the TXNRD2 gene, results from a T to C substitution at nucleotide position 737. The isoleucine at codon 246 is replaced by threonine, an amino acid with similar properties. This amino acid position is conserved. In addition, this alteration is predicted to be tolerated by in silico analysis. Based on the available evidence, the clinical significance of this variant remains unclear.

Labcorp Genetics (formerly Invitae), Labcorp
Classification: Uncertain significance for Primary dilated cardiomyopathy. Last evaluated: 2025-07-30. Review status: criteria provided, single submitter. Criteria: Invitae Variant Classification Sherloc (09022015). Collection method: clinical testing. Allele origin: germline.
Comment: This sequence change replaces isoleucine, which is neutral and non-polar, with threonine, which is neutral and polar, at codon 246 of the TXNRD2 protein (p.Ile246Thr). This variant is not present in population databases (gnomAD no frequency). This variant has not been reported in the literature in individuals affected with TXNRD2-related conditions. ClinVar contains an entry for this variant (Variation ID: 1982631). Invitae Evidence Modeling of protein sequence and biophysical properties (such as structural, functional, and spatial information, amino acid conservation, physicochemical variation, residue mobility, and thermodynamic stability) indicates that this missense variant is not expected to disrupt TXNRD2 protein function with a negative predictive value of 80%. In summary, the available evidence is currently insufficient to determine the role of this variant in disease. Therefore, it has been classified as a Variant of Uncertain Significance.

NM_006440.5(TXNRD2):c.737T>C (p.Ile246Thr)

Gene: TXNRD2 (thioredoxin reductase 2; minus strand). Cytogenetic location: 22q11.21.
Variant type: single nucleotide variant.
Coding change: c.737T>C on transcript NM_006440.5 (MANE Select); coding-DNA position 737, T replaced by C.
Protein change: p.Ile246Thr; replaces isoleucine 246 with threonine.
Molecular consequence: missense variant. On other transcripts: non-coding transcript variant (1).
Genome position (GRCh38, 1-based): chr22:19,898,076, A>G on the plus strand (T>C on the coding strand, the complement: TXNRD2 is on the minus strand). VCF-style: chr22-19898076-A-G. GRCh37 (hg19) VCF-style: chr22-19885599-A-G.
Other names: c.737T>C, p.Ile246Thr (NM_001282512.3); c.734T>C, p.Ile245Thr (NM_001352300.2); c.647T>C, p.Ile216Thr (NM_001352301.2); c.449T>C, p.Ile150Thr (NM_001352302.2); c.641T>C, p.Ile214Thr (NM_001352303.2); short protein forms I150T, I214T, I245T, I216T, I246T.
Identifiers: ClinVar variation 1982631 (VCV001982631.5), dbSNP rs1019958523, ClinGen allele CA322099865.